The following is an entry in ClinVar:

ClinVar aggregate classification (germline): Uncertain significance. Review status: criteria provided, multiple submitters, no conflicts (2 of 4 stars). 2 submissions from 2 submitters: Uncertain significance (2). Last evaluated 2025-08-31.

Allele frequency attached by ClinVar (database versions not stated): gnomAD exomes below 0.00001; TOPMed below 0.00001; ExAC 0.00001; gnomAD 0.00001.
gnomAD v4.1: 3 of 1,605,606 alleles (0.00019%); highest among the groups gnomAD compares: African/African-American, 0.004%; no homozygotes.

Submissions (2):

Ambry Genetics
Classification: Uncertain significance. Last evaluated: 2025-08-31. Review status: criteria provided, single submitter. Criteria: Ambry Variant Classification Scheme 2023. Collection method: clinical testing. Allele origin: germline.

Labcorp Genetics (formerly Invitae), Labcorp
Classification: Uncertain significance. Last evaluated: 2022-02-20. Review status: criteria provided, single submitter. Criteria: Invitae Variant Classification Sherloc (09022015). Collection method: clinical testing. Allele origin: germline.
Comment: In summary, the available evidence is currently insufficient to determine the role of this variant in disease. Therefore, it has been classified as a Variant of Uncertain Significance. Advanced modeling of protein sequence and biophysical properties (such as structural, functional, and spatial information, amino acid conservation, physicochemical variation, residue mobility, and thermodynamic stability) performed at Invitae indicates that this missense variant is not expected to disrupt CACNA1B protein function. This variant has not been reported in the literature in individuals affected with CACNA1B-related conditions. This variant is present in population databases (rs779300351, gnomAD 0.007%). This sequence change replaces methionine, which is neutral and non-polar, with valine, which is neutral and non-polar, at codon 747 of the CACNA1B protein (p.Met747Val).

NM_000718.4(CACNA1B):c.2239A>G (p.Met747Val)

Gene: CACNA1B (calcium voltage-gated channel subunit alpha1 B; plus strand). Cytogenetic location: 9q34.3.
Variant type: single nucleotide variant.
Coding change: c.2239A>G on transcript NM_000718.4 (MANE Select); coding-DNA position 2239, A replaced by G.
Protein change: p.Met747Val; replaces methionine 747 with valine.
Molecular consequence: missense variant.
Genome position (GRCh38, 1-based): chr9:138,013,207, A>G. VCF-style: chr9-138013207-A-G. GRCh37 (hg19) VCF-style: chr9-140907659-A-G.
Other names: c.2239A>G, p.Met747Val (NM_001243812.2); c.2239A>G (NM_000718.3); short protein forms M747V.
Identifiers: ClinVar variation 2059851 (VCV002059851.5), dbSNP rs779300351, ClinGen allele CA5376412.